The following is an entry in ClinVar:

NM_000282.4(PCCA):c.1826G>A (p.Gly609Asp)

Gene: PCCA (propionyl-CoA carboxylase subunit alpha; plus strand). Cytogenetic location: 13q32.3.
Variant type: single nucleotide variant.
Coding change: c.1826G>A on transcript NM_000282.4 (MANE Select); coding-DNA position 1826, G replaced by A.
Protein change: p.Gly609Asp; replaces glycine 609 with aspartic acid.
Molecular consequence: missense variant. On other transcripts: non-coding transcript variant (5).
Genome position (GRCh38, 1-based): chr13:100,425,712, G>A. VCF-style: chr13-100425712-G-A. GRCh37 (hg19) VCF-style: chr13-101077966-G-A.
Other names: c.1748G>A, p.Gly583Asp (NM_001127692.3, NM_001352607.2); c.1826G>A, p.Gly609Asp (NM_001178004.2, NM_001352605.2, NM_001352609.2); c.1682G>A, p.Gly561Asp (NM_001352606.2); c.1604G>A, p.Gly535Asp (NM_001352608.2); c.881G>A, p.Gly294Asp (NM_001352610.2, NM_001352611.2); c.737G>A, p.Gly246Asp (NM_001352612.2); short protein forms G246D, G535D, G561D, G609D, G294D, G583D.
Identifiers: ClinVar variation 4699888 (VCV004699888.1).

ClinVar aggregate classification (germline): Uncertain significance (1 of 4 stars; one submission).

Conditions:
Propionic acidemia (PROP). Also called: GLYCINEMIA, KETOTIC; HYPERGLYCINEMIA WITH KETOACIDOSIS AND LEUKOPENIA; KETOTIC HYPERGLYCINEMIA. Identifiers: Orphanet 35, MedGen C0268579, MONDO:0011628, OMIM 606054, HP:0003571.

gnomAD v4.1: 5 of 1,612,316 alleles (0.00031%); highest among the groups gnomAD compares: African/African-American, 0.0067%; no homozygotes.

Submission:

Labcorp Genetics (formerly Invitae), Labcorp
Classification: Uncertain significance for Propionic acidemia. Last evaluated: 2025-06-11. Review status: criteria provided, single submitter. Criteria: Invitae Variant Classification Sherloc (09022015). Collection method: clinical testing. Allele origin: germline.
Comment: This sequence change replaces glycine, which is neutral and non-polar, with aspartic acid, which is acidic and polar, at codon 609 of the PCCA protein (p.Gly609Asp). This variant is present in population databases (rs780724867, gnomAD 0.007%). This variant has not been reported in the literature in individuals affected with PCCA-related conditions. Invitae Evidence Modeling of protein sequence and biophysical properties (such as structural, functional, and spatial information, amino acid conservation, physicochemical variation, residue mobility, and thermodynamic stability) has been performed for this missense variant. However, the output from this modeling did not meet the statistical confidence thresholds required to predict the impact of this variant on PCCA protein function. In summary, the available evidence is currently insufficient to determine the role of this variant in disease. Therefore, it has been classified as a Variant of Uncertain Significance.